The following is an entry in ClinVar:

NM_000540.3(RYR1):c.7636A>G (p.Met2546Val)

Gene: RYR1 (ryanodine receptor 1; plus strand). Cytogenetic location: 19q13.2.
Variant type: single nucleotide variant.
Coding change: c.7636A>G on transcript NM_000540.3 (MANE Select); coding-DNA position 7636, A replaced by G.
Protein change: p.Met2546Val; replaces methionine 2546 with valine.
Molecular consequence: missense variant.
Genome position (GRCh38, 1-based): chr19:38,502,528, A>G. VCF-style: chr19-38502528-A-G. GRCh37 (hg19) VCF-style: chr19-38993168-A-G.
Other names: c.7636A>G, p.Met2546Val (NM_001042723.2); short protein forms M2546V.
Identifiers: ClinVar variation 2649802 (VCV002649802.24), dbSNP rs2514332714, ClinGen allele CA405671411.
Genomic context (GRCh38, chr19:38,502,528, plus strand): 5'-GGTGTGCAGCGGGCCTGATGTCCTCACCCTGCGCCCTAGGCCACTTTCAGCACCACCGAG[A>G]TGGCGCTGGCGCTGAACCGCTACCTGTGCCTGGCCGTGCTGCCGCTCATCACCAAGTGTG-3'
Protein context (NP_000531.2, residues 2536-2556): LDTATFSTTE[Met2546Val]ALALNRYLCL

ClinVar aggregate classification (germline): Uncertain significance (1 of 4 stars; one submission).

Submission:

CeGaT Center for Human Genetics Tuebingen
Classification: Uncertain significance. Last evaluated: 2022-10-01. Review status: criteria provided, single submitter. Criteria: CeGaT Center For Human Genetics Tuebingen Variant Classification Criteria Version 2. Collection method: clinical testing. Allele origin: germline. Affected: yes. Observed: 1 variant allele.
Comment: RYR1: PM2